The following is an entry in ClinVar:

NM_001267550.2(TTN):c.26444C>G (p.Ala8815Gly)

Gene: TTN (titin; minus strand). Cytogenetic location: 2q31.2.
Variant type: single nucleotide variant.
Coding change: c.26444C>G on transcript NM_001267550.2 (MANE Select); coding-DNA position 26444, C replaced by G.
Protein change: p.Ala8815Gly; replaces alanine 8815 with glycine.
Molecular consequence: missense variant. On other transcripts: intron variant (3).
Genome position (GRCh38, 1-based): chr2:178,714,330, G>C on the plus strand (C>G on the coding strand, the complement: TTN is on the minus strand). VCF-style: chr2-178714330-G-C. GRCh37 (hg19) VCF-style: chr2-179579057-G-C.
Other names: c.26444C>G (NM_001267550.1); c.25493C>G, p.Ala8498Gly (NM_001256850.1); c.22712C>G, p.Ala7571Gly (NM_133378.4); c.13282+23752C>G (NM_003319.4); c.13858+23752C>G (NM_133437.4); c.13657+23752C>G (NM_133432.3); short protein forms A8815G, A7571G, A8498G.
Identifiers: ClinVar variation 535182 (VCV000535182.6), dbSNP rs1168744166, ClinGen allele CA349469603.

ClinVar aggregate classification (germline): Uncertain significance. Review status: criteria provided, multiple submitters, no conflicts (2 of 4 stars). 4 submissions from 4 submitters: Uncertain significance (4). Last evaluated 2025-07-28.

Conditions:
Autosomal recessive limb-girdle muscular dystrophy type 2J (LGMDR10). Also called: Limb-girdle muscular dystrophy, type 2J; MUSCULAR DYSTROPHY, LIMB-GIRDLE, AUTOSOMAL RECESSIVE 10. Identifiers: Orphanet 140922, MedGen C1837342, MONDO:0012127, OMIM 608807.
Dilated cardiomyopathy 1G (CMD1G). Identifiers: Orphanet 154, MedGen C1858763, MONDO:0011400, OMIM 604145.

Allele frequency attached by ClinVar (database versions not stated): TOPMed below 0.00001; gnomAD 0.00001.
gnomAD v4.1: 7 of 1,613,578 alleles (0.00043%); highest among the groups gnomAD compares: African/African-American, 0.0013%; no homozygotes.

Submissions (4):

Women's Health and Genetics/Laboratory Corporation of America, LabCorp
Classification: Uncertain significance. Last evaluated: 2025-07-28. Review status: criteria provided, single submitter. Criteria: LabCorp Variant Classification Summary - May 2015. Collection method: clinical testing. Allele origin: germline.

Revvity Omics, Revvity
Classification: Uncertain significance. Last evaluated: 2024-09-25. Review status: criteria provided, single submitter. Criteria: ACMG Guidelines, 2015. Collection method: clinical testing. Allele origin: germline.

GeneDx
Classification: Uncertain significance. Last evaluated: 2023-04-12. Review status: criteria provided, single submitter. Criteria: GeneDx Variant Classification Process June 2021. Collection method: clinical testing. Allele origin: germline. Affected: yes.
Comment: Not observed at significant frequency in large population cohorts (gnomAD); Missense variant in a gene in which most reported pathogenic variants are truncating/loss of function; Has not been previously published as pathogenic or benign to our knowledge

Labcorp Genetics (formerly Invitae), Labcorp
Classification: Uncertain significance for Dilated cardiomyopathy 1G; Autosomal recessive limb-girdle muscular dystrophy type 2J. Last evaluated: 2017-12-09. Review status: criteria provided, single submitter. Criteria: Invitae Variant Classification Sherloc (09022015). Collection method: clinical testing. Allele origin: germline.